The following is an entry in ClinVar:

ClinVar aggregate classification (germline): Likely pathogenic. Review status: criteria provided, single submitter (1 of 4 stars). 2 submissions from 2 submitters: Likely pathogenic (1). 1 of the submissions does not count toward it. Last evaluated 2024-08-12.

Conditions:
Agenesis of the corpus callosum with peripheral neuropathy (ACCPN). Also called: Hereditary Motor and Sensory Neuropathy with Agenesis of the Corpus Callosum; POLYNEUROPATHY, SENSORIMOTOR, WITH OR WITHOUT AGENESIS OF THE CORPUS CALLOSUM; HMSN/ACC; CHARLEVOIX DISEASE. Identifiers: Orphanet 1496, MedGen C0795950, MONDO:0000902, OMIM 218000. Disease mechanism: loss of function.

Submissions (2):

Mayo Clinic Laboratories, Mayo Clinic
Classification: Likely pathogenic. Last evaluated: 2024-08-12. Review status: criteria provided, single submitter. Criteria: ACMG Guidelines, 2015. Collection method: clinical testing. Allele origin: germline. Observed: 1 variant allele.
Comment: PM2, PVS1

Counsyl
Classification: Likely pathogenic for Agenesis of the corpus callosum with peripheral neuropathy. Last evaluated: 2016-08-04. Review status: no assertion criteria provided. Collection method: clinical testing. Allele origin: unknown. Not counted in ClinVar's aggregate classification.

NM_001365088.1(SLC12A6):c.550dup (p.Gln184fs)

Gene: SLC12A6 (solute carrier family 12 member 6; minus strand). Cytogenetic location: 15q14.
Variant type: Duplication.
Coding change: c.550dup on transcript NM_001365088.1 (MANE Select); coding-DNA position 550, one base duplicated (C; older notation c.550dupC).
Protein change: p.Gln184fs; shifts the reading frame from glutamine 184.
Molecular consequence: frameshift variant.
Genome position (GRCh38, 1-based): chr15:34,257,782, G duplicated on the plus strand (C on the coding strand, the reverse complement: SLC12A6 is on the minus strand); the first of 6 consecutive G bases (chr15:34,257,782-34,257,787); duplicating any one gives the same sequence. VCF-style (leftmost placement, unchanged base first): chr15-34257781-T-TG. GRCh37 (hg19) VCF-style: chr15-34549982-T-TG.
Other names: p.Gln184Profs*61; c.550dupC (NM_133647.1); c.373dup, p.Gln125fs (NM_001042494.2, NM_001042495.2); c.523dup, p.Gln175fs (NM_001042496.2); c.505dup, p.Gln169fs (NM_001042497.2); c.397dup, p.Gln133fs (NM_005135.2); c.550dup, p.Gln184fs (NM_133647.2); c.550dup (NM_133647.1); short protein forms Q169fs, Q184fs, Q133fs, Q175fs, Q125fs.
Identifiers: ClinVar variation 371230 (VCV000371230.4), dbSNP rs1057517109, ClinGen allele CA16041726.
Genomic context (GRCh38, chr15:34,257,781, plus strand): 5'-AGGATCACTCCAAAAATATTTTGTAGACATGGGAGGTAGACACCCATGAAGGTACCCATT[T>TG]GGGGGGTCTAGAAAGAAAGACATTGATAAAAAATCACACAGTTATCCTAAAGAGAGGTTT-3'